The following is an entry in ClinVar:

NM_000321.3(RB1):c.1494T>A (p.Tyr498Ter)

Gene: RB1 (RB transcriptional corepressor 1; plus strand). Cytogenetic location: 13q14.2.
Variant type: single nucleotide variant.
Coding change: c.1494T>A on transcript NM_000321.3 (MANE Select); coding-DNA position 1494, T replaced by A.
Protein change: p.Tyr498Ter; replaces tyrosine 498 with a stop codon.
Molecular consequence: nonsense.
Genome position (GRCh38, 1-based): chr13:48,380,237, T>A. VCF-style: chr13-48380237-T-A. GRCh37 (hg19) VCF-style: chr13-48954373-T-A.
Other names: c.1494T>A, p.Tyr498Ter (NM_001407165.1, NM_001407166.1); short protein forms Y498*.
Identifiers: ClinVar variation 4884452 (VCV004884452.1).
Genomic context (GRCh38, chr13:48,380,237, plus strand): 5'-TGACAACATTTTTCATATGTCTTTATTGGCGTGCGCTCTTGAGGTTGTAATGGCCACATA[T>A]AGCAGTAAGTTAAATTTTCATAAATAAACACTTTTGTTCAATTTAAAGTTAAAATGTGGT-3'

ClinVar aggregate classification (germline): Pathogenic (1 of 4 stars; one submission).

Conditions:
Retinoblastoma (RB1). Also called: RETINOBLASTOMA, SOMATIC. Identifiers: Orphanet 790, MedGen C0035335, MeSH D012175, MONDO:0008380, OMIM 180200, HP:0009919. Disease mechanism: loss of function. Inheritance: Both sporadic and heritable forms are tested..

Submission:

Diller/Parad Lab, Dana-Farber/Harvard Cancer Center
Classification: Pathogenic for Retinoblastoma. Last evaluated: 2026-05-29. Review status: criteria provided, single submitter. Criteria: ACMG Guidelines, 2015. Collection method: research. Allele origin: germline. Affected: yes.
Comment: It has been classified as Pathogenic using Richards et al (PMID:25741868) based on the following evidence codes: PM2, PVS1, PP3.